The following is an entry in ClinVar:

NM_199420.4(POLQ):c.5636C>T (p.Ser1879Leu)

Gene: POLQ (DNA polymerase theta; minus strand). Cytogenetic location: 3q13.33.
Variant type: single nucleotide variant.
Coding change: c.5636C>T on transcript NM_199420.4 (MANE Select); coding-DNA position 5636, C replaced by T.
Protein change: p.Ser1879Leu; replaces serine 1879 with leucine.
Molecular consequence: missense variant.
Genome position (GRCh38, 1-based): chr3:121,485,178, G>A on the plus strand (C>T on the coding strand, the complement: POLQ is on the minus strand). VCF-style: chr3-121485178-G-A. GRCh37 (hg19) VCF-style: chr3-121204025-G-A.
Other names: c.5636C>T (NM_199420.3); short protein forms S1879L.
Identifiers: ClinVar variation 1049426 (VCV001049426.8), dbSNP rs147121503, ClinGen allele CA2562682.

ClinVar aggregate classification (germline): Benign/Likely benign. Review status: criteria provided, multiple submitters, no conflicts (2 of 4 stars). 4 submissions from 4 submitters: Benign (1); Likely benign (1). 2 of the submissions do not count toward it. Last evaluated 2026-02-01.

Conditions:
POLQ-related disorder. Also called: POLQ-related condition.

Allele frequency attached by ClinVar (database versions not stated): ESP Exome Variant Server 0.00023; gnomAD 0.00096 and 0.00136; TOPMed 0.00105; gnomAD exomes 0.00133 and 0.00256; 1000 Genomes Project 0.00280; ExAC 0.00287; 1000 Genomes Project 30x 0.00344.
gnomAD v4.1: 2,139 of 1,584,550 alleles (0.13%); highest among the groups gnomAD compares: South Asian, 1.5%; 38 homozygotes.

Submissions (4):

CeGaT Center for Human Genetics Tuebingen
Classification: Benign. Last evaluated: 2026-02-01. Review status: criteria provided, single submitter. Criteria: CeGaT Center For Human Genetics Tuebingen Variant Classification Criteria Version 2. Collection method: clinical testing. Allele origin: germline. Affected: yes. Observed: 1 variant allele.
Comment: POLQ: BP4, BS1, BS2

Breakthrough Genomics
Classification: Likely benign. Review status: criteria provided, single submitter. Criteria: ACMG Guidelines, 2015. Collection method: not provided. Allele origin: germline. Inheritance: Unknown mechanism. Affected: yes.

PreventionGenetics, part of Exact Sciences
Classification: Benign for POLQ-related condition. Last evaluated: 2019-05-23. Review status: no assertion criteria provided. Collection method: clinical testing. Allele origin: germline. Not counted in ClinVar's aggregate classification.
Comment: This variant is classified as benign based on ACMG/AMP sequence variant interpretation guidelines (Richards et al. 2015 PMID: 25741868, with internal and published modifications).

Department of Pathology and Laboratory Medicine, Sinai Health System
Classification: Likely benign. Review status: no assertion criteria provided. Collection method: clinical testing. Allele origin: unknown. Affected: yes. Study: The Canadian Open Genetics Repository (COGR). Not counted in ClinVar's aggregate classification.
Comment: The POLQ p.Ser1879Leu variant was not identified in the literature nor was it identified in ClinVar or Cosmic. The variant was identified in dbSNP (ID: rs147121503), LOVD 3.0 and in control databases in 607 of 265362 chromosomes (12 homozygous) at a frequency of 0.002287 increasing the likelihood this could be a low frequency benign variant (Genome Aggregation Database Feb 27, 2017). The variant was observed in the following populations: South Asian in 441 of 26364 chromosomes (freq: 0.01673), Other in 18 of 6768 chromosomes (freq: 0.00266), Latino in 51 of 29706 chromosomes (freq: 0.001717), European (non-Finnish) in 88 of 124890 chromosomes (freq: 0.000705), Ashkenazi Jewish in 4 of 9590 chromosomes (freq: 0.000417), African in 3 of 24526 chromosomes (freq: 0.000122), East Asian in 1 of 18754 chromosomes (freq: 0.000053), and European (Finnish) in 1 of 24764 chromosomes (freq: 0.00004). The p.Ser1879 residue is not conserved in mammals and four out of five computational analyses (PolyPhen-2, SIFT, AlignGVGD, MutationTaster) do not suggest a high likelihood of impact to the protein; however, this information is not predictive enough to rule out pathogenicity. The variant occurs outside of the splicing consensus sequence and in silico or computational prediction software programs (SpliceSiteFinder, MaxEntScan, NNSPLICE, GeneSplicer) do not predict a difference in splicing. In summary, based on the above information the clinical significance of this variant cannot be determined with certainty at this time although we would lean towards a more benign role for this variant. This variant is classified as likely benign.